The following is an entry in ClinVar:

NM_001365999.1(SZT2):c.7720G>C (p.Val2574Leu)

Gene: SZT2 (SZT2 subunit of KICSTOR complex; plus strand). Cytogenetic location: 1p34.2.
Variant type: single nucleotide variant.
Coding change: c.7720G>C on transcript NM_001365999.1 (MANE Select); coding-DNA position 7720, G replaced by C.
Protein change: p.Val2574Leu; replaces valine 2574 with leucine.
Molecular consequence: missense variant.
Genome position (GRCh38, 1-based): chr1:43,441,796, G>C. VCF-style: chr1-43441796-G-C. GRCh37 (hg19) VCF-style: chr1-43907467-G-C.
Other names: c.7549G>C, p.Val2517Leu (NM_015284.4); short protein forms V2517L, V2574L.
Identifiers: ClinVar variation 4976164 (VCV004976164.1).

ClinVar aggregate classification (germline): Uncertain significance (1 of 4 stars; one submission).

Submission:

GeneDx
Classification: Uncertain significance. Last evaluated: 2026-02-03. Review status: criteria provided, single submitter. Criteria: GeneDx Variant Classification Process June 2021. Collection method: clinical testing. Allele origin: germline.
Comment: Not observed at significant frequency in large population cohorts (gnomAD); In silico analysis suggests that this missense variant does not alter protein structure/function; Has not been previously published as pathogenic or benign to our knowledge